The following is an entry in ClinVar:

NM_000489.6(ATRX):c.1798A>G (p.Ile600Val)

Gene: ATRX (ATRX chromatin remodeler; minus strand). Cytogenetic location: Xq21.1.
Variant type: single nucleotide variant.
Coding change: c.1798A>G on transcript NM_000489.6 (MANE Select); coding-DNA position 1798, A replaced by G.
Protein change: p.Ile600Val; replaces isoleucine 600 with valine.
Molecular consequence: missense variant.
Genome position (GRCh38, 1-based): chrX:77,683,458, T>C on the plus strand (A>G on the coding strand, the complement: ATRX is on the minus strand). VCF-style: chrX-77683458-T-C. GRCh37 (hg19) VCF-style: chrX-76938950-T-C.
Other names: c.1684A>G, p.Ile562Val (NM_138270.5); short protein forms I600V, I562V.
Identifiers: ClinVar variation 581151 (VCV000581151.19), dbSNP rs375129029, ClinGen allele CA10458154.
Genomic context (GRCh38, chrX:77,683,458, plus strand): 5'-GACCACAACTTTTATAGCCATCTTTATCTTGTGGAACTTCCTGACAATCAGCACCTTTAA[T>C]TGGGGAATTAGAAAGGGAAACAGGAGTGAGTTTAACATATAATTCTTTTGTTACTTTAGC-3'
Protein context (NP_000480.3, residues 590-610): LTPVSLSNSP[Ile600Val]KGADCQEVPQ

ClinVar aggregate classification (germline): Likely benign. Review status: criteria provided, multiple submitters, no conflicts (2 of 4 stars). 6 submissions from 6 submitters: Likely benign (5). 1 of the submissions does not count toward it. Last evaluated 2026-07-01.

Conditions:
Inborn genetic diseases. Identifiers: MedGen C0950123, MeSH D030342.
ATRX-related disorder. Also called: ATRX-related condition.
Alpha thalassemia-X-linked intellectual disability syndrome (ATRX). Also called: ALPHA-THALASSEMIA/MENTAL RETARDATION SYNDROME, X-LINKED; ATR, NONDELETION TYPE; ALPHA-THALASSEMIA/IMPAIRED INTELLECTUAL DEVELOPMENT SYNDROME, X-LINKED; X-linked alpha-thalassemia-mental retardation syndrome; ATR-X syndrome; Alpha thalassemia mental retardation syndrome, nondeletion type, X-linked. Identifiers: Orphanet 847, MedGen C1845055, MONDO:0010519, OMIM 301040.

Allele frequency attached by ClinVar (database versions not stated): ESP Exome Variant Server 0.00009; ExAC 0.00003; gnomAD exomes 0.00005 and 0.00002; gnomAD 0.00008; 1000 Genomes Project 0.00026; TOPMed 0.00008; 1000 Genomes Project 30x 0.00021.
gnomAD v4.1: 28 of 1,208,699 alleles (0.0023%); highest among the groups gnomAD compares: African/African-American, 0.028%; no homozygotes.

Submissions (6):

CeGaT Center for Human Genetics Tuebingen
Classification: Likely benign. Last evaluated: 2026-07-01. Review status: criteria provided, single submitter. Criteria: CeGaT Center For Human Genetics Tuebingen Variant Classification Criteria Version 2. Collection method: clinical testing. Allele origin: germline. Affected: yes. Observed: 2 variant alleles.
Comment: ATRX: BP4, BS2

Labcorp Genetics (formerly Invitae), Labcorp
Classification: Likely benign for Alpha thalassemia-X-linked intellectual disability syndrome. Last evaluated: 2025-08-29. Review status: criteria provided, single submitter. Criteria: Invitae Variant Classification Sherloc (09022015). Collection method: clinical testing. Allele origin: germline.

Women's Health and Genetics/Laboratory Corporation of America, LabCorp
Classification: Likely benign. Last evaluated: 2023-11-09. Review status: criteria provided, single submitter. Criteria: LabCorp Variant Classification Summary - May 2015. Collection method: clinical testing. Allele origin: germline.
Comment: Variant summary: ATRX c.1798A>G (p.Ile600Val) results in a conservative amino acid change in the encoded protein sequence. Four of four in-silico tools predict a benign effect of the variant on protein function. The variant allele was found at a frequency of 2.3e-05 in 1208699 control chromosomes including six hemizygotes. To our knowledge, no occurrence of c.1798A>G in individuals affected with ATR-X Syndrome and no experimental evidence demonstrating its impact on protein function have been reported. Three submitters have cited clinical-significance assessments for this variant to ClinVar after 2014. All submitters classified the variant as likely benign. Based on the evidence outlined above, the variant was classified as likely benign.

Ambry Genetics
Classification: Likely benign for Inborn genetic diseases. Last evaluated: 2021-11-12. Review status: criteria provided, single submitter. Criteria: Ambry Variant Classification Scheme 2023. Collection method: clinical testing. Allele origin: germline.

GeneDx
Classification: Likely benign. Last evaluated: 2020-06-29. Review status: criteria provided, single submitter. Criteria: GeneDx Variant Classification Process June 2021. Collection method: clinical testing. Allele origin: germline. Affected: yes.
Comment: Has not been previously published as pathogenic or benign to our knowledge; In silico analysis, which includes splice predictors and evolutionary conservation, suggests this variant may impact gene splicing. In the absence of RNA/functional studies, the actual effect of this sequence change is unknown.; In silico analysis, which includes protein predictors and evolutionary conservation, supports that this variant does not alter protein structure/function

PreventionGenetics, part of Exact Sciences
Classification: Benign for ATRX-related condition. Last evaluated: 2024-03-14. Review status: no assertion criteria provided. Collection method: clinical testing. Allele origin: germline. Not counted in ClinVar's aggregate classification.
Comment: This variant is classified as benign based on ACMG/AMP sequence variant interpretation guidelines (Richards et al. 2015 PMID: 25741868, with internal and published modifications).